The following is an entry in ClinVar:

ClinVar aggregate classification (germline): Uncertain significance (1 of 4 stars; one submission).

Conditions:
Autosomal recessive severe congenital neutropenia due to JAGN1 deficiency. Also called: Severe congenital neutropenia 6, autosomal recessive. Identifiers: Orphanet 423384, MedGen C4014954, MONDO:0014456, OMIM 616022.

Submission:

Labcorp Genetics (formerly Invitae), Labcorp
Classification: Uncertain significance for Autosomal recessive severe congenital neutropenia due to JAGN1 deficiency. Last evaluated: 2022-09-09. Review status: criteria provided, single submitter. Criteria: Invitae Variant Classification Sherloc (09022015). Collection method: clinical testing. Allele origin: germline.
Comment: This variant has not been reported in the literature in individuals affected with JAGN1-related conditions. This variant is not present in population databases (gnomAD no frequency). This sequence change creates a premature translational stop signal (p.Phe140Leufs*31) in the JAGN1 gene. While this is not anticipated to result in nonsense mediated decay, it is expected to disrupt the last 44 amino acid(s) of the JAGN1 protein. Experimental studies and prediction algorithms are not available or were not evaluated, and the functional significance of this variant is currently unknown. In summary, the available evidence is currently insufficient to determine the role of this variant in disease. Therefore, it has been classified as a Variant of Uncertain Significance.

NM_032492.4(JAGN1):c.420del (p.Phe140fs)

Gene: JAGN1 (jagunal homolog 1; plus strand). Cytogenetic location: 3p25.3.
Variant type: Deletion.
Coding change: c.420del on transcript NM_032492.4 (MANE Select); coding-DNA position 420, one base deleted (T; older notation c.420delT).
Protein change: p.Phe140fs; shifts the reading frame from phenylalanine 140.
Molecular consequence: frameshift variant.
Genome position (GRCh38, 1-based): chr3:9,893,245, T deleted; the last of 3 consecutive T bases (chr3:9,893,243-9,893,245); deleting any one gives the same sequence. VCF-style (leftmost placement, unchanged base first): chr3-9893242-CT-C. GRCh37 (hg19) VCF-style: chr3-9934926-CT-C.
Other names: c.258del, p.Phe86fs (NM_001363890.1); short protein forms F86fs, F140fs.
Identifiers: ClinVar variation 2199975 (VCV002199975.2), dbSNP rs1416909240, ClinGen allele CA1344967130.